The following is an entry in ClinVar:

ClinVar aggregate classification (germline): Conflicting classifications of pathogenicity. Review status: criteria provided, conflicting classifications (1 of 4 stars). 2 submissions from 2 submitters: Uncertain significance (1); Likely benign (1). Last evaluated 2024-05-09.

Conditions:
Breast-ovarian cancer, familial, susceptibility to, 2 (BROVCA2). Also called: BRCA2 Hereditary Breast and Ovarian Cancer. Identifiers: Orphanet 145, MedGen C2675520, MONDO:0012933, OMIM 612555. Disease mechanism: loss of function.
Hereditary breast ovarian cancer syndrome. Also called: Hereditary breast and ovarian cancer syndrome; Hereditary breast and ovarian cancer; Hereditary breast and ovarian cancer syndrome (HBOC); Hereditary breast and/or ovarian cancer syndrome; BRCA1- and BRCA2-Associated Hereditary Breast and Ovarian Cancer; Breast and ovarian cancer. Identifiers: Orphanet 145, MedGen C0677776, MeSH D061325, MONDO:0003582. Disease mechanism: loss of function.

Submissions (2):

Labcorp Genetics (formerly Invitae), Labcorp
Classification: Uncertain significance for Hereditary breast ovarian cancer syndrome. Last evaluated: 2024-05-09. Review status: criteria provided, single submitter. Criteria: Invitae Variant Classification Sherloc (09022015). Collection method: clinical testing. Allele origin: germline.
Comment: This sequence change replaces glutamic acid, which is acidic and polar, with lysine, which is basic and polar, at codon 45 of the BRCA2 protein (p.Glu45Lys). This variant is not present in population databases (gnomAD no frequency). This variant has not been reported in the literature in individuals affected with BRCA2-related conditions. Advanced modeling of protein sequence and biophysical properties (such as structural, functional, and spatial information, amino acid conservation, physicochemical variation, residue mobility, and thermodynamic stability) performed at Invitae indicates that this missense variant is not expected to disrupt BRCA2 protein function with a negative predictive value of 95%. In summary, the available evidence is currently insufficient to determine the role of this variant in disease. Therefore, it has been classified as a Variant of Uncertain Significance.

Department of Human Genetics, Hannover Medical School
Classification: Likely benign for Breast-ovarian cancer, familial, susceptibility to, 2. Last evaluated: 2024-04-04. Review status: criteria provided, single submitter. Criteria: ACMG Guidelines, 2015. Collection method: clinical testing. Allele origin: germline. Affected: yes.

NM_000059.4(BRCA2):c.133G>A (p.Glu45Lys)

Gene: BRCA2 (BRCA2 DNA repair associated; plus strand). Cytogenetic location: 13q13.1.
Variant type: single nucleotide variant.
Coding change: c.133G>A on transcript NM_000059.4 (MANE Select); coding-DNA position 133, G replaced by A.
Protein change: p.Glu45Lys; replaces glutamic acid 45 with lysine.
Molecular consequence: missense variant. On other transcripts: 5 prime UTR variant (1), non-coding transcript variant (1).
Genome position (GRCh38, 1-based): chr13:32,319,142, G>A. VCF-style: chr13-32319142-G-A. GRCh37 (hg19) VCF-style: chr13-32893279-G-A.
Other names: c.133G>A, p.Glu45Lys (NM_001406719.1, NM_001406720.1, NM_001406721.1); c.-237G>A (NM_001406722.1); short protein forms E45K.
Identifiers: ClinVar variation 3066187 (VCV003066187.3), dbSNP rs397507581, ClinGen allele CA387754246.